The following is an entry in ClinVar:

NM_000038.6(APC):c.3782del (p.Thr1261fs)

Gene: APC (APC regulator of Wnt signaling pathway; plus strand). Cytogenetic location: 5q22.2.
Variant type: Deletion.
Coding change: c.3782del on transcript NM_000038.6 (MANE Select); coding-DNA position 3782, one base deleted (C; older notation c.3782delC).
Protein change: p.Thr1261fs; shifts the reading frame from threonine 1261.
Molecular consequence: frameshift variant.
Genome position (GRCh38, 1-based): chr5:112,839,376, C deleted. VCF-style (leftmost placement, unchanged base first): chr5-112839375-AC-A. GRCh37 (hg19) VCF-style: chr5-112175072-AC-A.
Other names: c.3782del, p.Thr1261fs (NM_001127510.3, NM_001354895.2); c.3728del, p.Thr1243fs (NM_001127511.3); c.3836del, p.Thr1279fs (NM_001354896.2); c.3812del, p.Thr1271fs (NM_001354897.2); c.3707del, p.Thr1236fs (NM_001354898.2); c.3698del, p.Thr1233fs (NM_001354899.2); c.3659del, p.Thr1220fs (NM_001354900.2); c.3605del, p.Thr1202fs (NM_001354901.2); and 5 more; short protein forms T1236fs, T1279fs, T1101fs, T1160fs, T1170fs, T1202fs, T1233fs, T1243fs.
Identifiers: ClinVar variation 569045 (VCV000569045.11), dbSNP rs1561587604, ClinGen allele CA891843019.

ClinVar aggregate classification (germline): Pathogenic. Review status: criteria provided, multiple submitters, no conflicts (2 of 4 stars). 2 submissions from 2 submitters: Pathogenic (2). Last evaluated 2025-10-16.

Conditions:
Familial adenomatous polyposis 1 (FAP1). Also called: FAMILIAL ADENOMATOUS POLYPOSIS 1, ATTENUATED; POLYPOSIS, ADENOMATOUS INTESTINAL. Identifiers: MedGen C2713442, MONDO:0021056, OMIM 175100. Disease mechanism: loss of function.

Submissions (2):

Myriad Genetics, Inc.
Classification: Pathogenic for Familial adenomatous polyposis 1. Last evaluated: 2025-10-16. Review status: criteria provided, single submitter. Criteria: Myriad Autosomal Dominant, Autosomal Recessive and X-Linked Classification Criteria (2023). Collection method: clinical testing. Allele origin: unknown.
Comment: This variant is considered pathogenic. This variant creates a frameshift predicted to result in premature protein truncation.

Labcorp Genetics (formerly Invitae), Labcorp
Classification: Pathogenic for Familial adenomatous polyposis 1. Last evaluated: 2018-04-10. Review status: criteria provided, single submitter. Criteria: Invitae Variant Classification Sherloc (09022015). Collection method: clinical testing. Allele origin: germline.
Comment: This sequence change results in a premature translational stop signal in the APC gene (p.Thr1261Ilefs*4). While this is not anticipated to result in nonsense mediated decay, it is expected to disrupt the last 1,583 amino acids of the APC protein. This variant is not present in population databases (ExAC no frequency). This variant has been reported in an individual affected with suspected familial adenomatous polyposis (PMID: 23159591). A different truncation downstream of this variant (p.Glu1309Aspfs*4) has been determined to be pathogenic (PMID: 20223039, 1316610, 23159591, 24664542). This suggests that deletion of this region of the APC protein is causative of disease. For these reasons, this variant has been classified as Pathogenic.

Literature cited by the submitters: PubMed 23159591 (cited by Labcorp Genetics (formerly Invitae), Labcorp); PubMed 20223039 (cited by Labcorp Genetics (formerly Invitae), Labcorp); PubMed 1316610 (cited by Labcorp Genetics (formerly Invitae), Labcorp); PubMed 24664542 (cited by Labcorp Genetics (formerly Invitae), Labcorp).